The following is an entry in ClinVar:

ClinVar aggregate classification (germline): Uncertain significance. Review status: criteria provided, multiple submitters, no conflicts (2 of 4 stars). 2 submissions from 2 submitters: Uncertain significance (2). Last evaluated 2025-08-27.

Conditions:
Familial adenomatous polyposis 2. Also called: Adenomas, multiple colorectal; MYH-associated polyposis; COLORECTAL ADENOMATOUS POLYPOSIS, AUTOSOMAL RECESSIVE; ADENOMAS, MULTIPLE COLORECTAL, AUTOSOMAL RECESSIVE; FAP type 2; MUTYH Polyposis. Identifiers: Orphanet 220460, Orphanet 247798, MedGen C3272841, MONDO:0012041, OMIM 608456.
Hereditary cancer-predisposing syndrome. Also called: Tumor predisposition; Neoplastic Syndromes, Hereditary; Hereditary Cancer Syndrome; Hereditary neoplastic syndrome. Identifiers: Orphanet 140162, MedGen C0027672, MeSH D009386, MONDO:0015356.

gnomAD v4.1: 1 of 1,614,078 alleles (0.000062%); highest among the groups gnomAD compares: Non-Finnish European, 0.000085%; no homozygotes.

Submissions (2):

Ambry Genetics
Classification: Uncertain significance for Hereditary cancer-predisposing syndrome. Last evaluated: 2025-08-27. Review status: criteria provided, single submitter. Criteria: Ambry Variant Classification Scheme 2023. Collection method: clinical testing. Allele origin: germline.
Comment: The p.H26D variant (also known as c.76C>G), located in coding exon 2 of the MUTYH gene, results from a C to G substitution at nucleotide position 76. The histidine at codon 26 is replaced by aspartic acid, an amino acid with similar properties. This amino acid position is conserved. In addition, this alteration is predicted to be tolerated by in silico analysis. Based on the available evidence, the clinical significance of this variant remains unclear.

Labcorp Genetics (formerly Invitae), Labcorp
Classification: Uncertain significance for Familial adenomatous polyposis 2. Last evaluated: 2025-04-30. Review status: criteria provided, single submitter. Criteria: Invitae Variant Classification Sherloc (09022015). Collection method: clinical testing. Allele origin: germline.
Comment: This sequence change replaces histidine, which is basic and polar, with aspartic acid, which is acidic and polar, at codon 26 of the MUTYH protein (p.His26Asp). This variant is not present in population databases (gnomAD no frequency). This variant has not been reported in the literature in individuals affected with MUTYH-related conditions. ClinVar contains an entry for this variant (Variation ID: 1386320). An algorithm developed to predict the effect of missense changes on protein structure and function (PolyPhen-2) suggests that this variant is likely to be tolerated. In summary, the available evidence is currently insufficient to determine the role of this variant in disease. Therefore, it has been classified as a Variant of Uncertain Significance.

NM_001048174.2(MUTYH):c.34C>G (p.His12Asp)

Gene: MUTYH (mutY DNA glycosylase; minus strand). Cytogenetic location: 1p34.1.
Variant type: single nucleotide variant.
Coding change: c.34C>G on transcript NM_001048174.2 (MANE Select); coding-DNA position 34, C replaced by G.
Protein change: p.His12Asp; replaces histidine 12 with aspartic acid.
Molecular consequence: missense variant. On other transcripts: 5 prime UTR variant (4), non-coding transcript variant (2).
Genome position (GRCh38, 1-based): chr1:45,334,472, G>C on the plus strand (C>G on the coding strand, the complement: MUTYH is on the minus strand). VCF-style: chr1-45334472-G-C. GRCh37 (hg19) VCF-style: chr1-45800144-G-C.
Other names: c.34C>G, p.His12Asp (NM_001048171.2, NM_001048172.2, NM_001048173.2 and 2 more transcripts); c.76C>G, p.His26Asp (NM_001128425.2, NM_001293190.2, NM_012222.3); c.-179C>G (NM_001293192.2, NM_001293196.2); c.-238C>G (NM_001350650.2); c.-174C>G (NM_001350651.2); c.76C>G (NM_001128425.1); short protein forms H26D, H12D.
Identifiers: ClinVar variation 1386320 (VCV001386320.9), dbSNP rs2149188841, ClinGen allele CA340137180.